The following is an entry in ClinVar:

ClinVar aggregate classification (germline): Uncertain significance. Review status: criteria provided, multiple submitters, no conflicts (2 of 4 stars). 3 submissions from 3 submitters: Uncertain significance (3). Last evaluated 2023-11-19.

Conditions:
Epidermolysis bullosa simplex 5B, with muscular dystrophy (EBS5B). Also called: Epidermolysis bullosa simplex with muscular dystrophy; EPIDERMOLYSIS BULLOSA SIMPLEX AND LIMB-GIRDLE MUSCULAR DYSTROPHY. Identifiers: Orphanet 257, MedGen C2931072, MONDO:0009181, OMIM 226670.
Autosomal recessive limb-girdle muscular dystrophy type 2Q (LGMDR17). Also called: MUSCULAR DYSTROPHY, LIMB-GIRDLE, AUTOSOMAL RECESSIVE 17. Identifiers: Orphanet 254361, MedGen C3150989, MONDO:0013390, OMIM 613723.
Epidermolysis bullosa simplex with nail dystrophy (EBS5D). Identifiers: MedGen C4225309, MONDO:0014661, OMIM 616487.
Epidermolysis bullosa simplex 5C, with pyloric atresia (EBS5C). Also called: Epidermolysis bullosa simplex with pyloric atresia; PLEC-Related Epidermolysis Bullosa with Pyloric Atresia; PLEC1-Related Epidermolysis Bullosa with Pyloric Atresia. Identifiers: Orphanet 158684, MedGen C2677349, MONDO:0012807, OMIM 612138.
Epidermolysis bullosa simplex, Ogna type (EBS5A). Also called: EPIDERMOLYSIS BULLOSA SIMPLEX 5A, OGNA TYPE; Pidermolysis bullosa simplex 5A, Ogna type. Identifiers: Orphanet 79401, MedGen C0432317, MONDO:0007555, OMIM 131950.
Inborn genetic diseases. Identifiers: MedGen C0950123, MeSH D030342.

gnomAD v4.1: 17 of 1,577,248 alleles (0.0011%); highest among the groups gnomAD compares: Non-Finnish European, 0.0015%; no homozygotes.

Submissions (3):

Labcorp Genetics (formerly Invitae), Labcorp
Classification: Uncertain significance for Autosomal recessive limb-girdle muscular dystrophy type 2Q; Epidermolysis bullosa simplex, Ogna type; Epidermolysis bullosa simplex with nail dystrophy; Epidermolysis bullosa simplex 5C, with pyloric atresia; Epidermolysis bullosa simplex 5B, with muscular dystrophy. Last evaluated: 2023-11-19. Review status: criteria provided, single submitter. Criteria: Invitae Variant Classification Sherloc (09022015). Collection method: clinical testing. Allele origin: germline.
Comment: This sequence change replaces arginine, which is basic and polar, with glycine, which is neutral and non-polar, at codon 3825 of the PLEC protein (p.Arg3825Gly). This variant is present in population databases (no rsID available, gnomAD 0.002%). This variant has not been reported in the literature in individuals affected with PLEC-related conditions. ClinVar contains an entry for this variant (Variation ID: 1505416). An algorithm developed to predict the effect of missense changes on protein structure and function (PolyPhen-2) suggests that this variant is likely to be disruptive. In summary, the available evidence is currently insufficient to determine the role of this variant in disease. Therefore, it has been classified as a Variant of Uncertain Significance.

Ambry Genetics
Classification: Uncertain significance for Inborn genetic diseases. Last evaluated: 2023-09-14. Review status: criteria provided, single submitter. Criteria: Ambry Variant Classification Scheme 2023. Collection method: clinical testing. Allele origin: germline.

Revvity Omics, Revvity
Classification: Uncertain significance. Last evaluated: 2023-01-03. Review status: criteria provided, single submitter. Criteria: ACMG Guidelines, 2015. Collection method: clinical testing. Allele origin: germline.

NM_201384.3(PLEC):c.11392C>G (p.Arg3798Gly)

Gene: PLEC (plectin; minus strand). Cytogenetic location: 8q24.3.
Variant type: single nucleotide variant.
Coding change: c.11392C>G on transcript NM_201384.3 (MANE Select); coding-DNA position 11392, C replaced by G.
Protein change: p.Arg3798Gly; replaces arginine 3798 with glycine.
Molecular consequence: missense variant.
Genome position (GRCh38, 1-based): chr8:143,918,429, G>C on the plus strand (C>G on the coding strand, the complement: PLEC is on the minus strand). VCF-style: chr8-143918429-G-C. GRCh37 (hg19) VCF-style: chr8-144992597-G-C.
Other names: c.11473C>G, p.Arg3825Gly (NM_000445.5); c.11350C>G, p.Arg3784Gly (NM_201378.4); c.11326C>G, p.Arg3776Gly (NM_201379.3); c.11803C>G, p.Arg3935Gly (NM_201380.4); c.11296C>G, p.Arg3766Gly (NM_201381.3); c.11392C>G, p.Arg3798Gly (NM_201382.4); c.11404C>G, p.Arg3802Gly (NM_201383.3); c.11473C>G (NM_000445.3); short protein forms R3798G, R3802G, R3825G, R3784G, R3776G, R3935G, R3766G.
Identifiers: ClinVar variation 1505416 (VCV001505416.12), dbSNP rs782111846, ClinGen allele CA187607525.